The following is an entry in ClinVar:

ClinVar aggregate classification (germline): Benign (1 of 4 stars; one submission).

Conditions:
Familial cancer of breast. Also called: hereditary breast carcinoma; BREAST CANCER, FAMILIAL; Hereditary breast cancer. Identifiers: Orphanet 227535, MedGen C0346153, MONDO:0016419, OMIM 114480. Disease mechanism: loss of function.

Submission:

Myriad Genetics, Inc.
Classification: Benign for Familial cancer of breast. Last evaluated: 2024-06-12. Review status: criteria provided, single submitter. Criteria: Myriad Autosomal Dominant, Autosomal Recessive and X-Linked Classification Criteria (2023). Collection method: clinical testing. Allele origin: unknown.
Comment: This variant is considered benign. This variant is a silent/synonymous amino acid change and it is not expected to impact splicing.

NM_000051.4(ATM):c.7044G>C (p.Thr2348=)

Genes: ATM (ATM serine/threonine kinase; plus strand), C11orf65 (chromosome 11 open reading frame 65; minus strand). Cytogenetic location: 11q22.3.
Variant type: single nucleotide variant.
Coding change: c.7044G>C on transcript NM_000051.4 (MANE Select); coding-DNA position 7044, G replaced by C.
Protein change: p.Thr2348=; no amino-acid change (threonine 2348 retained).
Molecular consequence: synonymous variant. On other transcripts: intron variant (2).
Genome position (GRCh38, 1-based): chr11:108,327,713, G>C. VCF-style: chr11-108327713-G-C. GRCh37 (hg19) VCF-style: chr11-108198440-G-C.
Other names: c.7044G>C, p.Thr2348= (NM_001351834.2); c.641-18642C>G (NM_001330368.2); c.*38+7507C>G (NM_001351110.2).
Identifiers: ClinVar variation 3254490 (VCV003254490.1), dbSNP rs140104789.